The following is an entry in ClinVar:

ClinVar aggregate classification (germline): Likely pathogenic (1 of 4 stars; one submission).

Submission:

Mayo Clinic Laboratories, Mayo Clinic
Classification: Likely pathogenic. Last evaluated: 2024-02-16. Review status: criteria provided, single submitter. Criteria: ACMG Guidelines, 2015. Collection method: clinical testing. Allele origin: germline.
Comment: PM2_moderate, PVS1

NM_001355436.2(SPTB):c.876+1G>C

Gene: SPTB (spectrin beta, erythrocytic; minus strand). Cytogenetic location: 14q23.3.
Variant type: single nucleotide variant.
Coding change: c.876+1G>C on transcript NM_001355436.2 (MANE Select); the canonical splice donor site of the intron after coding-DNA position 876, G replaced by C.
Molecular consequence: splice donor variant.
Genome position (GRCh38, 1-based): chr14:64,800,755, C>G on the plus strand (G>C on the coding strand, the complement: SPTB is on the minus strand). VCF-style: chr14-64800755-C-G. GRCh37 (hg19) VCF-style: chr14-65267473-C-G.
Other names: p.?; c.876+1G>C (NM_001024858.4, NM_001355437.2).
Identifiers: ClinVar variation 3391444 (VCV003391444.1).